The following is an entry in ClinVar:

ClinVar aggregate classification (germline): Uncertain significance (1 of 4 stars; one submission).

Conditions:
Arrhythmogenic right ventricular dysplasia 10. Also called: Arrhythmogenic Right Ventricular Dysplasia/Cardiomyopathy10; ARRHYTHMOGENIC RIGHT VENTRICULAR DYSPLASIA, FAMILIAL, 10; Arrhythmogenic right ventricular dysplasia/cardiomyopathy, type 10. Identifiers: MedGen C1857777, MONDO:0012434, OMIM 610193.

Submission:

Labcorp Genetics (formerly Invitae), Labcorp
Classification: Uncertain significance for Arrhythmogenic right ventricular dysplasia 10. Last evaluated: 2022-08-31. Review status: criteria provided, single submitter. Criteria: Invitae Variant Classification Sherloc (09022015). Collection method: clinical testing. Allele origin: germline.
Comment: This sequence change replaces leucine, which is neutral and non-polar, with arginine, which is basic and polar, at codon 11 of the DSG2 protein (p.Leu11Arg). This variant is not present in population databases (gnomAD no frequency). This variant has not been reported in the literature in individuals affected with DSG2-related conditions. ClinVar contains an entry for this variant (Variation ID: 1393923). Algorithms developed to predict the effect of missense changes on protein structure and function are either unavailable or do not agree on the potential impact of this missense change (SIFT: "Deleterious"; PolyPhen-2: "Benign"; Align-GVGD: "Class C0"). In summary, the available evidence is currently insufficient to determine the role of this variant in disease. Therefore, it has been classified as a Variant of Uncertain Significance.

NM_001943.5(DSG2):c.32T>G (p.Leu11Arg)

Genes: DSG2 (desmoglein 2; plus strand), LOC130062340 (ATAC-STARR-seq lymphoblastoid silent region 9384; plus strand). Cytogenetic location: 18q12.1.
Variant type: single nucleotide variant.
Coding change: c.32T>G on transcript NM_001943.5 (MANE Select); coding-DNA position 32, T replaced by G.
Protein change: p.Leu11Arg; replaces leucine 11 with arginine.
Molecular consequence: missense variant.
Genome position (GRCh38, 1-based): chr18:31,498,283, T>G. VCF-style: chr18-31498283-T-G. GRCh37 (hg19) VCF-style: chr18-29078246-T-G.
Other names: short protein forms L11R.
Identifiers: ClinVar variation 1393923 (VCV001393923.7), dbSNP rs2144276606, ClinGen allele CA402127626.